The following is an entry in ClinVar:

ClinVar aggregate classification (germline): Benign. Review status: criteria provided, multiple submitters, no conflicts (2 of 4 stars). 3 submissions from 3 submitters: Benign (2). 1 of the submissions does not count toward it. Last evaluated 2019-12-31.

Conditions:
IGSF3-related disorder. Also called: IGSF3-related condition.

Allele frequency attached by ClinVar (database versions not stated): ESP Exome Variant Server 0.23620; 1000 Genomes Project 0.26158; ExAC 0.29487; TOPMed 0.31091; gnomAD exomes 0.32484; gnomAD 0.32902.

Submissions (3):

Labcorp Genetics (formerly Invitae), Labcorp
Classification: Benign. Last evaluated: 2019-12-31. Review status: criteria provided, single submitter. Criteria: Invitae Variant Classification Sherloc (09022015). Collection method: clinical testing. Allele origin: germline.

Breakthrough Genomics
Classification: Benign. Review status: criteria provided, single submitter. Criteria: ACMG Guidelines, 2015. Collection method: not provided. Allele origin: germline. Inheritance: Autosomal recessive inheritance. Affected: yes.

PreventionGenetics, part of Exact Sciences
Classification: Benign for IGSF3-related condition. Last evaluated: 2019-10-17. Review status: no assertion criteria provided. Collection method: clinical testing. Allele origin: germline. Not counted in ClinVar's aggregate classification.
Comment: This variant is classified as benign based on ACMG/AMP sequence variant interpretation guidelines (Richards et al. 2015 PMID: 25741868, with internal and published modifications).

NM_001007237.3(IGSF3):c.3060C>G (p.Asp1020Glu)

Gene: IGSF3 (immunoglobulin superfamily member 3; minus strand). Cytogenetic location: 1p13.1.
Variant type: single nucleotide variant.
Coding change: c.3060C>G on transcript NM_001007237.3 (MANE Select); coding-DNA position 3060, C replaced by G.
Protein change: p.Asp1020Glu; replaces aspartic acid 1020 with glutamic acid.
Molecular consequence: missense variant.
Genome position (GRCh38, 1-based): chr1:116,579,666, G>C on the plus strand (C>G on the coding strand, the complement: IGSF3 is on the minus strand). VCF-style: chr1-116579666-G-C. GRCh37 (hg19) VCF-style: chr1-117122288-G-C.
Other names: c.3120C>G, p.Asp1040Glu (NM_001542.4); short protein forms D1020E, D1040E.
Identifiers: ClinVar variation 769242 (VCV000769242.7), dbSNP rs647711, ClinGen allele CA1026102.
Genomic context (GRCh38, chr1:116,579,666, plus strand): 5'-AGCATCTGGGCCCACGCTCAGCAGGGCCGTCCGCTCTGTTGGGTCGTCGTCGTCGTCGTC[G>C]TCCTCCTCCTCCTCCTCCTCCCTTTCCTCTTCCTGTTCTTCCAGGCCAGGGCTGCTCCTT-3'
Protein context (NP_001007238.1, residues 1010-1030): EEEREEEEEE[Asp1020Glu]DDDDDDPTER